The following is an entry in ClinVar:

NM_020708.5(SLC12A5):c.937G>T (p.Val313Leu)

Gene: SLC12A5 (solute carrier family 12 member 5; plus strand). Cytogenetic location: 20q13.12.
Variant type: single nucleotide variant.
Coding change: c.937G>T on transcript NM_020708.5 (MANE Select); coding-DNA position 937, G replaced by T.
Protein change: p.Val313Leu; replaces valine 313 with leucine.
Molecular consequence: missense variant.
Genome position (GRCh38, 1-based): chr20:46,041,411, G>T. VCF-style: chr20-46041411-G-T. GRCh37 (hg19) VCF-style: chr20-44670050-G-T.
Other names: c.1006G>T, p.Val336Leu (NM_001134771.2); short protein forms V313L, V336L.
Identifiers: ClinVar variation 663773 (VCV000663773.9), dbSNP rs138569099, ClinGen allele CA409190327.

ClinVar aggregate classification (germline): Uncertain significance. Review status: criteria provided, multiple submitters, no conflicts (2 of 4 stars). 2 submissions from 2 submitters: Uncertain significance (2). Last evaluated 2024-12-03.

Conditions:
Developmental and epileptic encephalopathy, 34 (DEE34). Also called: Early infantile epileptic encephalopathy 34; SLC12A5-Related Epilepsy of Infancy with Migrating Focal Seizures. Identifiers: Orphanet 293181, MedGen C4225257, MONDO:0014718, OMIM 616645.

Allele frequency attached by ClinVar (database versions not stated): TOPMed 0.00001.
gnomAD v4.1: 3 of 1,614,002 alleles (0.00019%); highest among the groups gnomAD compares: African/African-American, 0.0027%; no homozygotes.

Submissions (2):

Women's Health and Genetics/Laboratory Corporation of America, LabCorp
Classification: Uncertain significance. Last evaluated: 2024-12-03. Review status: criteria provided, single submitter. Criteria: LabCorp Variant Classification Summary - May 2015. Collection method: clinical testing. Allele origin: germline.
Comment: Variant summary: SLC12A5 c.1006G>T (p.Val336Leu) results in a conservative amino acid change in the encoded protein sequence. Four of five in-silico tools predict a benign effect of the variant on protein function. The variant was absent in 251472 control chromosomes. The available data on variant occurrences in the general population are insufficient to allow any conclusion about variant significance. To our knowledge, no occurrence of c.1006G>T in individuals affected with Developmental And Epileptic Encephalopathy, 34 and no experimental evidence demonstrating its impact on protein function have been reported. ClinVar contains an entry for this variant (Variation ID: 663773). Based on the evidence outlined above, the variant was classified as uncertain significance.

Labcorp Genetics (formerly Invitae), Labcorp
Classification: Uncertain significance for Developmental and epileptic encephalopathy, 34. Last evaluated: 2022-02-28. Review status: criteria provided, single submitter. Criteria: Invitae Variant Classification Sherloc (09022015). Collection method: clinical testing. Allele origin: germline.
Comment: This sequence change replaces valine, which is neutral and non-polar, with leucine, which is neutral and non-polar, at codon 313 of the SLC12A5 protein (p.Val313Leu). This variant is not present in population databases (gnomAD no frequency). This variant has not been reported in the literature in individuals affected with SLC12A5-related conditions. ClinVar contains an entry for this variant (Variation ID: 663773). Advanced modeling of protein sequence and biophysical properties (such as structural, functional, and spatial information, amino acid conservation, physicochemical variation, residue mobility, and thermodynamic stability) performed at Invitae indicates that this missense variant is not expected to disrupt SLC12A5 protein function. In summary, the available evidence is currently insufficient to determine the role of this variant in disease. Therefore, it has been classified as a Variant of Uncertain Significance.